The following is an entry in ClinVar:

NM_001360.3(DHCR7):c.1158T>C (p.Asp386=)

Gene: DHCR7 (7-dehydrocholesterol reductase; minus strand). Cytogenetic location: 11q13.4.
Variant type: single nucleotide variant.
Coding change: c.1158T>C on transcript NM_001360.3 (MANE Select); coding-DNA position 1158, T replaced by C.
Protein change: p.Asp386=; no amino-acid change (aspartic acid 386 retained).
Molecular consequence: synonymous variant.
Genome position (GRCh38, 1-based): chr11:71,435,645, A>G on the plus strand (T>C on the coding strand, the complement: DHCR7 is on the minus strand). VCF-style: chr11-71435645-A-G. GRCh37 (hg19) VCF-style: chr11-71146691-A-G.
Other names: p.Asp386=; c.1158T>C, p.Asp386= (NM_001163817.2).
Identifiers: ClinVar variation 93707 (VCV000093707.49), dbSNP rs760241, ClinGen allele CA147230.
Genomic context (GRCh38, chr11:71,435,645, plus strand): 5'-GAAGTGGCGGGCCACGCCCCAGAAGCCCGACACCAGCAGCTTGCTGTGGTGCCTCTGCCC[A>G]TCGGCGGATGTGTAGGAGCACTCGATGACCTTGGGCTTCCTGCCCCAGATGAGGCAGCGC-3'
Protein context (NP_001351.2, residues 376-396): KVIECSYTSA[Asp386=]GQRHHSKLLV

ClinVar aggregate classification (germline): Benign. Review status: criteria provided, multiple submitters, no conflicts (2 of 4 stars). 16 submissions from 16 submitters: Benign (12). 4 of the submissions do not count toward it. Last evaluated 2026-02-04.

Conditions:
DHCR7-related disorder. Also called: DHCR7-related condition.
Inborn genetic diseases. Identifiers: MedGen C0950123, MeSH D030342.
Smith-Lemli-Opitz syndrome (SLOS). Also called: 7-Dehydrocholesterol reductase deficiency; LETHAL ACRODYSGENITAL SYNDROME; POLYDACTYLY, SEX REVERSAL, RENAL HYPOPLASIA, AND UNILOBAR LUNG; RSH SYNDROME; RUTLEDGE LETHAL MULTIPLE CONGENITAL ANOMALY SYNDROME. Identifiers: Orphanet 818, MedGen C0175694, MONDO:0010035, OMIM 270400.

Allele frequency attached by ClinVar (database versions not stated): 1000 Genomes Project 30x 0.75390; 1000 Genomes Project 0.75639; TOPMed 0.83749; gnomAD 0.85171 and 0.85831; gnomAD exomes 0.85223 and 0.92106; ExAC 0.85312; ESP Exome Variant Server 0.87119.
gnomAD v4.1: 1,472,673 of 1,612,582 alleles (91%); highest among the groups gnomAD compares: Non-Finnish European, 96%; 679,833 homozygotes.

Submissions (16):

Labcorp Genetics (formerly Invitae), Labcorp
Classification: Benign for Smith-Lemli-Opitz syndrome. Last evaluated: 2026-02-04. Review status: criteria provided, single submitter. Criteria: Invitae Variant Classification Sherloc (09022015). Collection method: clinical testing. Allele origin: germline.

Blueprint Genetics
Classification: Benign. Last evaluated: 2024-11-27. Review status: criteria provided, single submitter. Criteria: ACMG Guidelines, 2015. Collection method: clinical testing. Allele origin: germline.

Mayo Clinic Laboratories, Mayo Clinic
Classification: Benign. Last evaluated: 2022-05-05. Review status: criteria provided, single submitter. Criteria: ACMG Guidelines, 2015. Collection method: clinical testing. Allele origin: germline. Observed: 613 variant alleles.

ARUP Laboratories, Molecular Genetics and Genomics, ARUP Laboratories
Classification: Benign for Smith-Lemli-Opitz syndrome. Last evaluated: 2021-10-05. Review status: criteria provided, single submitter. Criteria: ARUP Molecular Germline Variant Investigation Process 2021. Collection method: clinical testing. Allele origin: germline.

Genome-Nilou Lab
Classification: Benign for Smith-Lemli-Opitz syndrome. Last evaluated: 2021-07-01. Review status: criteria provided, single submitter. Criteria: ACMG Guidelines, 2015. Collection method: clinical testing. Allele origin: germline. Affected: no.

Athena Diagnostics
Classification: Benign. Last evaluated: 2021-03-25. Review status: criteria provided, single submitter. Criteria: Athena Diagnostics criteria. Collection method: clinical testing. Allele origin: unknown.

Eurofins Ntd Llc (ga)
Classification: Benign. Last evaluated: 2018-06-06. Review status: criteria provided, single submitter. Criteria: EGL ClinVar v180209 classification definitions. Collection method: clinical testing. Allele origin: germline. Observed: 51 variant alleles, 9 heterozygotes, 42 homozygotes.

Illumina Laboratory Services, Illumina
Classification: Benign for Smith-Lemli-Opitz syndrome. Last evaluated: 2018-01-13. Review status: criteria provided, single submitter. Criteria: ICSL Variant Classification Criteria 13 December 2019. Collection method: clinical testing. Allele origin: germline.
Comment: This variant was observed in the ICSL laboratory as part of a predisposition screen in an ostensibly healthy population. It had not been previously curated by ICSL or reported in the Human Gene Mutation Database (HGMD: prior to June 1st, 2018), and was therefore a candidate for classification through an automated scoring system. Utilizing variant allele frequency, disease prevalence and penetrance estimates, and inheritance mode, an automated score was calculated to assess if this variant is too frequent to cause the disease. Based on the score and internal cut-off values, a variant classified as benign is not then subjected to further curation. The score for this variant resulted in a classification of benign for this disease.

Laboratory for Molecular Medicine, Mass General Brigham Personalized Medicine
Classification: Benign. Last evaluated: 2016-03-21. Review status: criteria provided, single submitter. Criteria: LMM Criteria. Collection method: clinical testing. Allele origin: germline. Observed: 1 variant allele.
Comment: p.Asp386Asp in exon 9 of DHCR7: This variant is not expected to have clinical significance because it does not alter an amino acid residue, is not located within the splice consensus sequence, and has been identified in 94.18% (61386/65178) of European chromosomes by the Exome Aggregation Consortium (ExAC; dbSNP rs760241).

Ambry Genetics
Classification: Benign for Inborn genetic diseases. Last evaluated: 2016-03-11. Review status: criteria provided, single submitter. Criteria: Ambry Variant Classification Scheme 2023. Collection method: clinical testing. Allele origin: germline.

GeneDx
Classification: Benign. Last evaluated: 2015-03-03. Review status: criteria provided, single submitter. Criteria: GeneDx Variant Classification Process June 2021. Collection method: clinical testing. Allele origin: germline. Affected: yes.

Breakthrough Genomics
Classification: Benign. Review status: criteria provided, single submitter. Criteria: ACMG Guidelines, 2015. Collection method: not provided. Allele origin: germline. Inheritance: Autosomal recessive inheritance. Affected: yes.

PreventionGenetics, part of Exact Sciences
Classification: Benign for DHCR7-related condition. Last evaluated: 2021-04-07. Review status: no assertion criteria provided. Collection method: clinical testing. Allele origin: germline. Not counted in ClinVar's aggregate classification.
Comment: This variant is classified as benign based on ACMG/AMP sequence variant interpretation guidelines (Richards et al. 2015 PMID: 25741868, with internal and published modifications).

Natera, Inc.
Classification: Benign for Smith-Lemli-Opitz syndrome. Last evaluated: 2017-05-05. Review status: no assertion criteria provided. Collection method: clinical testing. Allele origin: germline. Not counted in ClinVar's aggregate classification.

Diagnostic Laboratory, Department of Genetics, University Medical Center Groningen
Classification: Benign. Review status: no assertion criteria provided. Collection method: clinical testing. Allele origin: germline. Affected: yes. Study: VKGL Data-share Consensus. Not counted in ClinVar's aggregate classification.

Joint Genome Diagnostic Labs from Nijmegen and Maastricht, Radboudumc and MUMC+
Classification: Benign. Review status: no assertion criteria provided. Collection method: clinical testing. Allele origin: germline. Affected: yes. Study: VKGL Data-share Consensus. Not counted in ClinVar's aggregate classification.